The following is an entry in ClinVar:

NM_001253697.2(ERBIN):c.292G>A (p.Asp98Asn)

Gene: ERBIN (erbb2 interacting protein; plus strand). Cytogenetic location: 5q12.3.
Variant type: single nucleotide variant.
Coding change: c.292G>A on transcript NM_001253697.2 (MANE Select); coding-DNA position 292, G replaced by A.
Protein change: p.Asp98Asn; replaces aspartic acid 98 with asparagine.
Molecular consequence: missense variant.
Genome position (GRCh38, 1-based): chr5:65,994,849, G>A. VCF-style: chr5-65994849-G-A. GRCh37 (hg19) VCF-style: chr5-65290677-G-A.
Other names: c.292G>A, p.Asp98Asn (NM_001006600.3, NM_001253698.2, NM_001253699.2 and 2 more transcripts); short protein forms D98N.
Identifiers: ClinVar variation 1435783 (VCV001435783.8), dbSNP rs769758780, ClinGen allele CA3285863.

ClinVar aggregate classification (germline): Uncertain significance (1 of 4 stars; one submission).

Allele frequency attached by ClinVar (database versions not stated): gnomAD exomes 0.00001 and 0.00004; ExAC 0.00002.

Submission:

Labcorp Genetics (formerly Invitae), Labcorp
Classification: Uncertain significance. Last evaluated: 2024-02-23. Review status: criteria provided, single submitter. Criteria: Invitae Variant Classification Sherloc (09022015). Collection method: clinical testing. Allele origin: germline.
Comment: This sequence change replaces aspartic acid, which is acidic and polar, with asparagine, which is neutral and polar, at codon 98 of the ERBIN protein (p.Asp98Asn). This variant is present in population databases (rs769758780, gnomAD 0.03%). This missense change has been observed in individual(s) with clinical features ERBIN-related disorders (PMID: 28191889). ClinVar contains an entry for this variant (Variation ID: 1435783). An algorithm developed to predict the effect of missense changes on protein structure and function (PolyPhen-2) suggests that this variant is likely to be disruptive. In summary, the available evidence is currently insufficient to determine the role of this variant in disease. Therefore, it has been classified as a Variant of Uncertain Significance.

Literature cited by the submitters: PubMed 28191889.